The following is an entry in ClinVar:

NM_001267550.2(TTN):c.42097G>T (p.Glu14033Ter)

Gene: TTN (titin; minus strand). Cytogenetic location: 2q31.2.
Variant type: single nucleotide variant.
Coding change: c.42097G>T on transcript NM_001267550.2 (MANE Select); coding-DNA position 42097, G replaced by T.
Protein change: p.Glu14033Ter; replaces glutamic acid 14033 with a stop codon.
Molecular consequence: nonsense.
Genome position (GRCh38, 1-based): chr2:178,634,777, C>A on the plus strand (G>T on the coding strand, the complement: TTN is on the minus strand). VCF-style: chr2-178634777-C-A. GRCh37 (hg19) VCF-style: chr2-179499504-C-A.
Other names: c.37174G>T, p.Glu12392Ter (NM_001256850.1); c.14902G>T, p.Glu4968Ter (NM_003319.4); c.34393G>T, p.Glu11465Ter (NM_133378.4); c.15277G>T, p.Glu5093Ter (NM_133432.3); c.15478G>T, p.Glu5160Ter (NM_133437.4); short protein forms E11465*, E12392*, E14033*, E4968*, E5093*, E5160*.
Identifiers: ClinVar variation 1051070 (VCV001051070.9), dbSNP rs2154228367, ClinGen allele CA349655913.

ClinVar aggregate classification (germline): Likely pathogenic (1 of 4 stars; one submission).

Conditions:
Dilated cardiomyopathy 1G (CMD1G). Identifiers: Orphanet 154, MedGen C1858763, MONDO:0011400, OMIM 604145.
Autosomal recessive limb-girdle muscular dystrophy type 2J (LGMDR10). Also called: Limb-girdle muscular dystrophy, type 2J; MUSCULAR DYSTROPHY, LIMB-GIRDLE, AUTOSOMAL RECESSIVE 10. Identifiers: Orphanet 140922, MedGen C1837342, MONDO:0012127, OMIM 608807.

Submission:

Labcorp Genetics (formerly Invitae), Labcorp
Classification: Likely pathogenic for Dilated cardiomyopathy 1G; Autosomal recessive limb-girdle muscular dystrophy type 2J. Last evaluated: 2024-10-18. Review status: criteria provided, single submitter. Criteria: Invitae Variant Classification Sherloc (09022015). Collection method: clinical testing. Allele origin: germline.
Comment: This sequence change creates a premature translational stop signal (p.Glu14033*) in the TTN gene. While this is not anticipated to result in nonsense mediated decay, it is expected to create a truncated TTN protein. This variant is not present in population databases (gnomAD no frequency). This variant has not been reported in the literature in individuals affected with TTN-related conditions. ClinVar contains an entry for this variant (Variation ID: 1051070). This variant is located in the I band of TTN (PMID: 25589632). Truncating variants in this region have been reported in individuals affected with autosomal recessive centronuclear myopathy (PMID: 23975875, internal data). Truncating variants in this region have also been identified in individuals affected with autosomal dominant dilated cardiomyopathy and/or cardio-related conditions (PMID: 27869827, 32964742, internal data). In summary, the currently available evidence indicates that the variant is pathogenic, but additional data are needed to prove that conclusively. Therefore, this variant has been classified as Likely Pathogenic.

Literature cited by the submitters: PubMed 25589632; PubMed 23975875; PubMed 27869827; PubMed 32964742.